The following is an entry in ClinVar:

NM_000275.3(OCA2):c.2258T>A (p.Leu753Gln)

Gene: OCA2 (OCA2 melanosomal transmembrane protein; minus strand). Cytogenetic location: 15q13.1.
Variant type: single nucleotide variant.
Coding change: c.2258T>A on transcript NM_000275.3 (MANE Select); coding-DNA position 2258, T replaced by A.
Protein change: p.Leu753Gln; replaces leucine 753 with glutamine.
Molecular consequence: missense variant.
Genome position (GRCh38, 1-based): chr15:27,851,462, A>T on the plus strand (T>A on the coding strand, the complement: OCA2 is on the minus strand). VCF-style: chr15-27851462-A-T. GRCh37 (hg19) VCF-style: chr15-28096608-A-T.
Other names: c.2186T>A, p.Leu729Gln (NM_001300984.2); short protein forms L729Q, L753Q.
Identifiers: ClinVar variation 3368048 (VCV003368048.1).

ClinVar aggregate classification (germline): Uncertain significance (1 of 4 stars; one submission).

gnomAD v4.1: 1 of 1,613,482 alleles (0.000062%); highest among the groups gnomAD compares: Non-Finnish European, 0.000085%; no homozygotes.

Submission:

GeneDx
Classification: Uncertain significance. Last evaluated: 2024-01-25. Review status: criteria provided, single submitter. Criteria: GeneDx Variant Classification Process June 2021. Collection method: clinical testing. Allele origin: germline. Affected: yes.
Comment: Not observed at significant frequency in large population cohorts (gnomAD); In silico analysis supports that this missense variant has a deleterious effect on protein structure/function; Has not been previously published as pathogenic or benign to our knowledge